The following is an entry in ClinVar:

ClinVar aggregate classification (germline): Uncertain significance (1 of 4 stars; one submission).

gnomAD v4.1: 2 of 1,610,924 alleles (0.00012%); highest among the groups gnomAD compares: Non-Finnish European, 0.00017%; no homozygotes.

Submission:

GeneDx
Classification: Uncertain significance. Last evaluated: 2025-03-12. Review status: criteria provided, single submitter. Criteria: GeneDx Variant Classification Process June 2021. Collection method: clinical testing. Allele origin: germline.
Comment: Not observed at significant frequency in large population cohorts (gnomAD); In silico analysis supports that this missense variant has a deleterious effect on protein structure/function; Has not been previously published as pathogenic or benign to our knowledge; In silico analysis suggests this variant may impact gene splicing. In the absence of RNA/functional studies, the actual effect of this sequence change is unknown.

NM_014712.3(SETD1A):c.4967A>G (p.Lys1656Arg)

Gene: SETD1A (SET domain containing 1A, histone lysine methyltransferase; plus strand). Cytogenetic location: 16p11.2.
Variant type: single nucleotide variant.
Coding change: c.4967A>G on transcript NM_014712.3 (MANE Select); coding-DNA position 4967, A replaced by G.
Protein change: p.Lys1656Arg; replaces lysine 1656 with arginine.
Molecular consequence: missense variant.
Genome position (GRCh38, 1-based): chr16:30,983,866, A>G. VCF-style: chr16-30983866-A-G. GRCh37 (hg19) VCF-style: chr16-30995187-A-G.
Other names: short protein forms K1656R.
Identifiers: ClinVar variation 3366132 (VCV003366132.2).